The following is an entry in ClinVar:

ClinVar aggregate classification (germline): Uncertain significance (1 of 4 stars; one submission).

Conditions:
Autosomal dominant nocturnal frontal lobe epilepsy 5. Also called: KCNT1-Related Epilepsy; CILIARY DYSKINESIA, PRIMARY, 28, WITHOUT SITUS INVERSUS; CILIARY DYSKINESIA, PRIMARY, 28, WITH SITUS INVERSUS; Epilepsy, nocturnal frontal lobe, 5. Identifiers: Orphanet 98784, MedGen C3554306, MONDO:0014002, OMIM 615005.
Developmental and epileptic encephalopathy, 14 (DEE14). Also called: Early infantile epileptic encephalopathy 14. Identifiers: Orphanet 293181, MedGen C3554195, MONDO:0013989, OMIM 614959.

gnomAD v4.1: 3 of 1,613,172 alleles (0.00019%); highest among the groups gnomAD compares: Non-Finnish European, 0.00025%; no homozygotes.

Submission:

Labcorp Genetics (formerly Invitae), Labcorp
Classification: Uncertain significance for Autosomal dominant nocturnal frontal lobe epilepsy 5; Developmental and epileptic encephalopathy, 14. Last evaluated: 2024-11-03. Review status: criteria provided, single submitter. Criteria: Invitae Variant Classification Sherloc (09022015). Collection method: clinical testing. Allele origin: germline.
Comment: This sequence change replaces isoleucine, which is neutral and non-polar, with valine, which is neutral and non-polar, at codon 185 of the KCNT1 protein (p.Ile185Val). This variant is not present in population databases (gnomAD no frequency). This variant has not been reported in the literature in individuals affected with KCNT1-related conditions. ClinVar contains an entry for this variant (Variation ID: 1061295). Invitae Evidence Modeling of protein sequence and biophysical properties (such as structural, functional, and spatial information, amino acid conservation, physicochemical variation, residue mobility, and thermodynamic stability) indicates that this missense variant is not expected to disrupt KCNT1 protein function with a negative predictive value of 80%. In summary, the available evidence is currently insufficient to determine the role of this variant in disease. Therefore, it has been classified as a Variant of Uncertain Significance.

NM_020822.3(KCNT1):c.553A>G (p.Ile185Val)

Gene: KCNT1 (potassium sodium-activated channel subfamily T member 1; plus strand). Cytogenetic location: 9q34.3.
Variant type: single nucleotide variant.
Coding change: c.553A>G on transcript NM_020822.3 (MANE Select); coding-DNA position 553, A replaced by G.
Protein change: p.Ile185Val; replaces isoleucine 185 with valine.
Molecular consequence: missense variant.
Genome position (GRCh38, 1-based): chr9:135,756,885, A>G. VCF-style: chr9-135756885-A-G. GRCh37 (hg19) VCF-style: chr9-138648731-A-G.
Other names: c.409A>G, p.Ile137Val (NM_001272003.2); short protein forms I137V, I185V.
Identifiers: ClinVar variation 1061295 (VCV001061295.9), dbSNP rs2131434707, ClinGen allele CA375496970.